The following is an entry in ClinVar:

ClinVar aggregate classification (germline): Uncertain significance. Review status: criteria provided, multiple submitters, no conflicts (2 of 4 stars). 2 submissions from 2 submitters: Uncertain significance (2). Last evaluated 2025-05-01.

Conditions:
Autosomal recessive limb-girdle muscular dystrophy type 2Y (MRRSDC). Also called: Muscular dystrophy, limb-girdle, type 2y; Muscular dystrophy, autosomal recessive, with rigid spine and distal joint contractures. Identifiers: Orphanet 424261, MedGen C4511482, MONDO:0014900, OMIM 617072.

Allele frequency attached by ClinVar (database versions not stated): gnomAD exomes 0.00001 and 0.00005; gnomAD 0.00004; ExAC 0.00005; TOPMed 0.00006; ESP Exome Variant Server 0.00008; 1000 Genomes Project 0.00020; 1000 Genomes Project 30x 0.00031.
gnomAD v4.1: 20 of 1,613,888 alleles (0.0012%); highest among the groups gnomAD compares: Admixed American, 0.022%; no homozygotes.

Submissions (2):

GeneDx
Classification: Uncertain significance. Last evaluated: 2025-05-01. Review status: criteria provided, single submitter. Criteria: GeneDx Variant Classification Process June 2021. Collection method: clinical testing. Allele origin: germline. Affected: yes.
Comment: In silico analysis supports that this missense variant has a deleterious effect on protein structure/function; Has not been previously published as pathogenic or benign to our knowledge

Labcorp Genetics (formerly Invitae), Labcorp
Classification: Uncertain significance for Autosomal recessive limb-girdle muscular dystrophy type 2Y. Last evaluated: 2022-07-26. Review status: criteria provided, single submitter. Criteria: Invitae Variant Classification Sherloc (09022015). Collection method: clinical testing. Allele origin: germline.
Comment: This sequence change replaces serine, which is neutral and polar, with leucine, which is neutral and non-polar, at codon 316 of the TOR1AIP1 protein (p.Ser316Leu). This variant is present in population databases (rs201979642, gnomAD 0.03%). This variant has not been reported in the literature in individuals affected with TOR1AIP1-related conditions. ClinVar contains an entry for this variant (Variation ID: 1001535). Algorithms developed to predict the effect of missense changes on protein structure and function output the following: SIFT: "Tolerated"; PolyPhen-2: "Benign"; Align-GVGD: "Class C0". The leucine amino acid residue is found in multiple mammalian species, which suggests that this missense change does not adversely affect protein function. In summary, the available evidence is currently insufficient to determine the role of this variant in disease. Therefore, it has been classified as a Variant of Uncertain Significance.

NM_015602.4(TOR1AIP1):c.944C>T (p.Ser315Leu)

Gene: TOR1AIP1 (torsin 1A interacting protein 1; plus strand). Cytogenetic location: 1q25.2.
Variant type: single nucleotide variant.
Coding change: c.944C>T on transcript NM_015602.4 (MANE Select); coding-DNA position 944, C replaced by T.
Protein change: p.Ser315Leu; replaces serine 315 with leucine.
Molecular consequence: missense variant.
Genome position (GRCh38, 1-based): chr1:179,914,034, C>T. VCF-style: chr1-179914034-C-T. GRCh37 (hg19) VCF-style: chr1-179883169-C-T.
Other names: c.947C>T, p.Ser316Leu (NM_001267578.2); c.947C>T (NM_001267578.1); short protein forms S315L, S316L.
Identifiers: ClinVar variation 1001535 (VCV001001535.8), dbSNP rs201979642, ClinGen allele CA1269051.